The following is an entry in ClinVar:

NM_172107.4(KCNQ2):c.1025C>T (p.Ser342Leu)

Gene: KCNQ2 (potassium voltage-gated channel subfamily Q member 2; minus strand). Cytogenetic location: 20q13.33.
Variant type: single nucleotide variant.
Coding change: c.1025C>T on transcript NM_172107.4 (MANE Select); coding-DNA position 1025, C replaced by T.
Protein change: p.Ser342Leu; replaces serine 342 with leucine.
Molecular consequence: missense variant.
Genome position (GRCh38, 1-based): chr20:63,433,902, G>A on the plus strand (C>T on the coding strand, the complement: KCNQ2 is on the minus strand). VCF-style: chr20-63433902-G-A. GRCh37 (hg19) VCF-style: chr20-62065255-G-A.
Other names: c.1025C>T, p.Ser342Leu (NM_001382235.1, NM_004518.6, NM_172106.3 and 2 more transcripts); short protein forms S342L.
Identifiers: ClinVar variation 1044294 (VCV001044294.10), dbSNP rs2080907267, ClinGen allele CA409651303.

ClinVar aggregate classification (germline): Likely pathogenic. Review status: criteria provided, multiple submitters, no conflicts (2 of 4 stars). 2 submissions from 2 submitters: Likely pathogenic (2). Last evaluated 2025-10-20.

Conditions:
Developmental and epileptic encephalopathy, 7 (DEE7). Also called: Early infantile epileptic encephalopathy 7; KCNQ2-Related Neonatal Epileptic Encephalopathy; KCNQ2-Related Neonatal-Onset Developmental and Epileptic Encephalopathy (NEO-DEE). Identifiers: Orphanet 439218, MedGen C3150986, MONDO:0013387, OMIM 613720.
Seizures, benign familial neonatal, 1. Also called: Benign Neonatal Epilepsy 1; Seizures, benign neonatal, 1; KCNQ2-Related Benign Familial Neonatal Epilepsy; KCNQ2-Related Self-Limited Familial Neonatal Epilepsy (SLFNE). Identifiers: Orphanet 1949, MedGen C3149074, MONDO:0007365, OMIM 121200.
Early-infantile DEE. Also called: Early infantile epileptic encephalopathy with suppression bursts; Early infantile epileptic encephalopathy; Ohtahara syndrome. Identifiers: Orphanet 1934, MedGen C0393706, MONDO:0800491.

Submissions (2):

Institute of Immunology and Genetics Kaiserslautern
Classification: Likely pathogenic for Seizures, benign familial neonatal, 1; Developmental and epileptic encephalopathy, 7. Last evaluated: 2025-10-20. Review status: criteria provided, single submitter. Criteria: ACMG Guidelines, 2015. Collection method: clinical testing. Allele origin: germline. Affected: yes.
Comment: ACMG Criteria: PM1, PM2_P, PM5, PP4, PP5; Variant was found in heterozygous state.

Labcorp Genetics (formerly Invitae), Labcorp
Classification: Likely pathogenic for Early-infantile DEE. Last evaluated: 2024-12-16. Review status: criteria provided, single submitter. Criteria: Invitae Variant Classification Sherloc (09022015). Collection method: clinical testing. Allele origin: germline.
Comment: This sequence change replaces serine, which is neutral and polar, with leucine, which is neutral and non-polar, at codon 342 of the KCNQ2 protein (p.Ser342Leu). This variant is not present in population databases (gnomAD no frequency). This missense change has been observed in individual(s) with clinical features of KCNQ2-related conditions (internal data). In at least one individual the variant was observed to be de novo. ClinVar contains an entry for this variant (Variation ID: 1044294). An algorithm developed to predict the effect of missense changes on protein structure and function (PolyPhen-2) suggests that this variant is likely to be tolerated. In summary, the currently available evidence indicates that the variant is pathogenic, but additional data are needed to prove that conclusively. Therefore, this variant has been classified as Likely Pathogenic.